The following is an entry in ClinVar:

ClinVar aggregate classification (germline): Uncertain significance. Review status: criteria provided, multiple submitters, no conflicts (2 of 4 stars). 2 submissions from 2 submitters: Uncertain significance (2). Last evaluated 2022-02-02.

Conditions:
Epileptic encephalopathy. Identifiers: MedGen C0543888, HP:0200134.

Allele frequency attached by ClinVar (database versions not stated): gnomAD exomes below 0.00001; TOPMed below 0.00001.
gnomAD v4.1: 4 of 1,613,924 alleles (0.00025%); highest among the groups gnomAD compares: East Asian, 0.0022%; no homozygotes.

Submissions (2):

Labcorp Genetics (formerly Invitae), Labcorp
Classification: Uncertain significance for Epileptic encephalopathy. Last evaluated: 2022-02-02. Review status: criteria provided, single submitter. Criteria: Invitae Variant Classification Sherloc (09022015). Collection method: clinical testing. Allele origin: germline.
Comment: This sequence change replaces aspartic acid, which is acidic and polar, with asparagine, which is neutral and polar, at codon 119 of the GABBR2 protein (p.Asp119Asn). This variant is not present in population databases (gnomAD no frequency). This variant has not been reported in the literature in individuals affected with GABBR2-related conditions. Algorithms developed to predict the effect of missense changes on protein structure and function are either unavailable or do not agree on the potential impact of this missense change (SIFT: "Deleterious"; PolyPhen-2: "Probably Damaging"; Align-GVGD: "Class C0"). In summary, the available evidence is currently insufficient to determine the role of this variant in disease. Therefore, it has been classified as a Variant of Uncertain Significance.

GeneDx
Classification: Uncertain significance. Last evaluated: 2022-01-12. Review status: criteria provided, single submitter. Criteria: GeneDx Variant Classification Process June 2021. Collection method: clinical testing. Allele origin: germline. Affected: yes.
Comment: Not observed at significant frequency in large population cohorts (gnomAD); In silico analysis supports that this missense variant has a deleterious effect on protein structure/function; Has not been previously published as pathogenic or benign to our knowledge

NM_005458.8(GABBR2):c.355G>A (p.Asp119Asn)

Gene: GABBR2 (gamma-aminobutyric acid type B receptor subunit 2; minus strand). Cytogenetic location: 9q22.33.
Variant type: single nucleotide variant.
Coding change: c.355G>A on transcript NM_005458.8 (MANE Select); coding-DNA position 355, G replaced by A.
Protein change: p.Asp119Asn; replaces aspartic acid 119 with asparagine.
Molecular consequence: missense variant.
Genome position (GRCh38, 1-based): chr9:98,578,039, C>T on the plus strand (G>A on the coding strand, the complement: GABBR2 is on the minus strand). VCF-style: chr9-98578039-C-T. GRCh37 (hg19) VCF-style: chr9-101340321-C-T.
Other names: short protein forms D119N.
Identifiers: ClinVar variation 1338914 (VCV001338914.9), dbSNP rs1021777878, ClinGen allele CA197080743.